The following is an entry in ClinVar:

ClinVar aggregate classification (germline): Uncertain significance (1 of 4 stars; one submission).

Conditions:
Tuberous sclerosis 1 (TSC1). Identifiers: Orphanet 805, MedGen C1854465, MONDO:0008612, OMIM 191100.

Allele frequency attached by ClinVar (database versions not stated): TOPMed below 0.00001.

Submission:

Labcorp Genetics (formerly Invitae), Labcorp
Classification: Uncertain significance for Tuberous sclerosis 1. Last evaluated: 2019-07-14. Review status: criteria provided, single submitter. Criteria: Invitae Variant Classification Sherloc (09022015). Collection method: clinical testing. Allele origin: germline.
Comment: This variant is not present in population databases (ExAC no frequency). In summary, the available evidence is currently insufficient to determine the role of this variant in disease. Therefore, it has been classified as a Variant of Uncertain Significance. Algorithms developed to predict the effect of missense changes on protein structure and function are either unavailable or do not agree on the potential impact of this missense change (SIFT: "Deleterious"; PolyPhen-2: "Benign"; Align-GVGD: "Class C0"). This variant has not been reported in the literature in individuals with TSC1-related conditions. This sequence change replaces lysine with glutamic acid at codon 820 of the TSC1 protein (p.Lys820Glu). The lysine residue is highly conserved and there is a small physicochemical difference between lysine and glutamic acid.

NM_000368.5(TSC1):c.2458A>G (p.Lys820Glu)

Gene: TSC1 (TSC complex subunit 1; minus strand). Cytogenetic location: 9q34.13.
Variant type: single nucleotide variant.
Coding change: c.2458A>G on transcript NM_000368.5 (MANE Select); coding-DNA position 2458, A replaced by G.
Protein change: p.Lys820Glu; replaces lysine 820 with glutamic acid.
Molecular consequence: missense variant.
Genome position (GRCh38, 1-based): chr9:132,901,633, T>C on the plus strand (A>G on the coding strand, the complement: TSC1 is on the minus strand). VCF-style: chr9-132901633-T-C. GRCh37 (hg19) VCF-style: chr9-135777020-T-C.
Other names: c.2455A>G, p.Lys819Glu (NM_001162426.2); c.2305A>G, p.Lys769Glu (NM_001162427.2); c.2095A>G, p.Lys699Glu (NM_001362177.2); short protein forms K699E, K769E, K820E, K819E.
Identifiers: ClinVar variation 950531 (VCV000950531.9), dbSNP rs1845376841, ClinGen allele CA375358512.